The following is an entry in ClinVar:

ClinVar aggregate classification (germline): Pathogenic/Likely pathogenic. Review status: criteria provided, multiple submitters, no conflicts (2 of 4 stars). 2 submissions from 2 submitters: Pathogenic (1); Likely pathogenic (1). Last evaluated 2023-05-17.

Conditions:
Retinitis pigmentosa 12 (RP12). Also called: RP WITH OR WITHOUT PPRPE; RP WITH OR WITHOUT PRESERVED PARAARTERIOLE RETINAL PIGMENT EPITHELIUM; RETINITIS PIGMENTOSA WITH OR WITHOUT PARAARTERIOLAR PRESERVATION OF RETINAL PIGMENT EPITHELIUM. Identifiers: Orphanet 791, MedGen C1838647, MONDO:0010818, OMIM 600105.
Leber congenital amaurosis 8 (LCA8). Identifiers: Orphanet 65, MedGen C3151202, MONDO:0013453, OMIM 613835.

Submissions (2):

Baylor Genetics
Classification: Likely pathogenic for Leber congenital amaurosis 8. Last evaluated: 2023-05-17. Review status: criteria provided, single submitter. Criteria: ACMG Guidelines, 2015. Collection method: clinical testing. Allele origin: unknown.

Labcorp Genetics (formerly Invitae), Labcorp
Classification: Pathogenic for Leber congenital amaurosis 8; Retinitis pigmentosa 12. Last evaluated: 2020-03-31. Review status: criteria provided, single submitter. Criteria: Invitae Variant Classification Sherloc (09022015). Collection method: clinical testing. Allele origin: germline.
Comment: For these reasons, this variant has been classified as Pathogenic. Loss-of-function variants in CRB1 are known to be pathogenic (PMID: 10508521, 22065545, 23379534, 25412400, 26957898, 28041643, 29391521). This variant has been observed in individual(s) with retinitis pigmentosa (PMID: Invitae). This variant is not present in population databases (ExAC no frequency). This sequence change creates a premature translational stop signal (p.Ser379*) in the CRB1 gene. It is expected to result in an absent or disrupted protein product.

Literature cited by the submitters: PubMed 10508521 (cited by Labcorp Genetics (formerly Invitae), Labcorp); PubMed 22065545 (cited by Labcorp Genetics (formerly Invitae), Labcorp); PubMed 23379534 (cited by Labcorp Genetics (formerly Invitae), Labcorp); PubMed 25412400 (cited by Labcorp Genetics (formerly Invitae), Labcorp); PubMed 26957898 (cited by Labcorp Genetics (formerly Invitae), Labcorp); PubMed 28041643 (cited by Labcorp Genetics (formerly Invitae), Labcorp); PubMed 29391521 (cited by Labcorp Genetics (formerly Invitae), Labcorp).

NM_201253.3(CRB1):c.1136C>G (p.Ser379Ter)

Gene: CRB1 (crumbs cell polarity complex component 1; plus strand). Cytogenetic location: 1q31.3.
Variant type: single nucleotide variant.
Coding change: c.1136C>G on transcript NM_201253.3 (MANE Select); coding-DNA position 1136, C replaced by G.
Protein change: p.Ser379Ter; replaces serine 379 with a stop codon.
Molecular consequence: nonsense. On other transcripts: non-coding transcript variant (2).
Genome position (GRCh38, 1-based): chr1:197,356,978, C>G. VCF-style: chr1-197356978-C-G. GRCh37 (hg19) VCF-style: chr1-197326108-C-G.
Other names: c.800C>G, p.Ser267Ter (NM_001193640.2); c.929C>G, p.Ser310Ter (NM_001257965.2); c.1136C>G, p.Ser379Ter (NM_001257966.2); short protein forms S267*, S379*, S310*.
Identifiers: ClinVar variation 848307 (VCV000848307.10), dbSNP rs1660516364, ClinGen allele CA344084608.